The following is an entry in ClinVar:

ClinVar aggregate classification (germline): Conflicting classifications of pathogenicity. Review status: criteria provided, conflicting classifications (1 of 4 stars). 6 submissions from 6 submitters: Uncertain significance (5); Likely benign (1). Last evaluated 2025-06-23.

Conditions:
Cardiovascular phenotype. Identifiers: MedGen CN230736.
Brittle cornea syndrome 1 (BCS1). Also called: CORNEAL FRAGILITY, KERATOGLOBUS, BLUE SCLERAE, JOINT HYPEREXTENSIBILITY; EDS6B; DYSGENESIS MESODERMALIS CORNEAE ET SCLERAE; FRAGILITAS OCULI WITH JOINT HYPEREXTENSIBILITY; Corneal fragility keratoglobus, blue sclerae AND joint hypermobility. Identifiers: Orphanet 90354, MedGen C0268344, MONDO:0024543, OMIM 229200.

Allele frequency attached by ClinVar (database versions not stated): TOPMed 0.00009; gnomAD exomes 0.00008.
gnomAD v4.1: 113 of 1,550,338 alleles (0.0073%); highest among the groups gnomAD compares: Middle Eastern, 0.084%; 1 homozygote.

Submissions (6):

Women's Health and Genetics/Laboratory Corporation of America, LabCorp
Classification: Uncertain significance. Last evaluated: 2025-06-23. Review status: criteria provided, single submitter. Criteria: LabCorp Variant Classification Summary - May 2015. Collection method: clinical testing. Allele origin: germline.
Comment: Variant summary: ZNF469 c.8387C>G (p.Pro2796Arg) results in a non-conservative amino acid change in the encoded protein sequence. Algorithms developed to predict the effect of missense changes on protein structure and function are either unavailable or do not agree on the potential impact of this missense change. The variant allele was found at a frequency of 7.8e-05 in 153486 control chromosomes (gnomAD). This frequency is not significantly higher than estimated for a pathogenic variant in ZNF469 causing Brittle cornea syndrome 1, allowing no conclusion about variant significance. To our knowledge, no occurrence of c.8387C>G in individuals affected with Brittle cornea syndrome 1 and no experimental evidence demonstrating its impact on protein function have been reported. ClinVar contains an entry for this variant (Variation ID: 320987). Based on the evidence outlined above, the variant was classified as uncertain significance.

Ambry Genetics
Classification: Likely benign for Cardiovascular phenotype. Last evaluated: 2024-12-17. Review status: criteria provided, single submitter. Criteria: Ambry Variant Classification Scheme 2023. Collection method: clinical testing. Allele origin: germline.

GeneDx
Classification: Uncertain significance. Last evaluated: 2024-03-20. Review status: criteria provided, single submitter. Criteria: GeneDx Variant Classification Process June 2021. Collection method: clinical testing. Allele origin: germline. Affected: yes.
Comment: Has not been previously published as pathogenic or benign to our knowledge; Not observed at significant frequency in large population cohorts (gnomAD); In silico analysis supports that this missense variant does not alter protein structure/function

Labcorp Genetics (formerly Invitae), Labcorp
Classification: Uncertain significance. Last evaluated: 2022-10-25. Review status: criteria provided, single submitter. Criteria: Invitae Variant Classification Sherloc (09022015). Collection method: clinical testing. Allele origin: germline.
Comment: This sequence change replaces proline, which is neutral and non-polar, with arginine, which is basic and polar, at codon 2768 of the ZNF469 protein (p.Pro2768Arg). This variant is present in population databases (no rsID available, gnomAD 0.01%). This variant has not been reported in the literature in individuals affected with ZNF469-related conditions. ClinVar contains an entry for this variant (Variation ID: 320987). Algorithms developed to predict the effect of missense changes on protein structure and function are either unavailable or do not agree on the potential impact of this missense change (SIFT: "Deleterious"; PolyPhen-2: "Benign"; Align-GVGD: "Class C0"). In summary, the available evidence is currently insufficient to determine the role of this variant in disease. Therefore, it has been classified as a Variant of Uncertain Significance.

CeGaT Center for Human Genetics Tuebingen
Classification: Uncertain significance. Last evaluated: 2021-10-01. Review status: criteria provided, single submitter. Criteria: CeGaT Center For Human Genetics Tuebingen Variant Classification Criteria Version 2. Collection method: clinical testing. Allele origin: germline. Affected: yes. Observed: 1 variant allele.

Department of Pathology and Laboratory Medicine, Sinai Health System
Classification: Uncertain significance for Brittle cornea syndrome 1. Last evaluated: 2019-12-02. Review status: criteria provided, single submitter. Criteria: ACMG Guidelines, 2015. Collection method: research. Allele origin: germline.

NM_001367624.2(ZNF469):c.8387C>G (p.Pro2796Arg)

Gene: ZNF469 (zinc finger protein 469; plus strand). Cytogenetic location: 16q24.2.
Variant type: single nucleotide variant.
Coding change: c.8387C>G on transcript NM_001367624.2 (MANE Select); coding-DNA position 8387, C replaced by G.
Protein change: p.Pro2796Arg; replaces proline 2796 with arginine.
Molecular consequence: missense variant.
Genome position (GRCh38, 1-based): chr16:88,435,857, C>G. VCF-style: chr16-88435857-C-G. GRCh37 (hg19) VCF-style: chr16-88502265-C-G.
Other names: NM_001127464.2:c.8303C>G; short protein forms P2796R.
Identifiers: ClinVar variation 320987 (VCV000320987.52), dbSNP rs886052412, ClinGen allele CA10649195.